The following is an entry in ClinVar:

ClinVar aggregate classification (germline): Uncertain significance (1 of 4 stars; one submission).

Conditions:
Developmental and epileptic encephalopathy, 8 (DEE8). Also called: HYPEREKPLEXIA AND EPILEPSY. Identifiers: Orphanet 163985, Orphanet 2076, MedGen C1845102, MONDO:0010375, OMIM 300607.

Submission:

Labcorp Genetics (formerly Invitae), Labcorp
Classification: Uncertain significance for Developmental and epileptic encephalopathy, 8. Last evaluated: 2022-08-09. Review status: criteria provided, single submitter. Criteria: Invitae Variant Classification Sherloc (09022015). Collection method: clinical testing. Allele origin: germline.
Comment: This variant is not present in population databases (gnomAD no frequency). In summary, the available evidence is currently insufficient to determine the role of this variant in disease. Therefore, it has been classified as a Variant of Uncertain Significance. Variants that disrupt the consensus splice site are a relatively common cause of aberrant splicing (PMID: 17576681, 9536098). Algorithms developed to predict the effect of sequence changes on RNA splicing suggest that this variant is not likely to affect RNA splicing. ClinVar contains an entry for this variant (Variation ID: 1489212). This variant has not been reported in the literature in individuals affected with ARHGEF9-related conditions. This sequence change falls in intron 5 of the ARHGEF9 gene. It does not directly change the encoded amino acid sequence of the ARHGEF9 protein. It affects a nucleotide within the consensus splice site.

Literature cited by the submitters: PubMed 17576681; PubMed 9536098.

NM_001353921.2(ARHGEF9):c.815+5G>T

Gene: ARHGEF9 (Cdc42 guanine nucleotide exchange factor 9; minus strand). Cytogenetic location: Xq11.1.
Variant type: single nucleotide variant.
Coding change: c.815+5G>T on transcript NM_001353921.2 (MANE Select); 5 bases into the intron after coding-DNA position 815, G replaced by T.
Molecular consequence: intron variant.
Genome position (GRCh38, 1-based): chrX:63,678,335, C>A on the plus strand (G>T on the coding strand, the complement: ARHGEF9 is on the minus strand). VCF-style: chrX-63678335-C-A. GRCh37 (hg19) VCF-style: chrX-62898215-C-A.
Other names: c.635+5G>T (NM_001173479.2); c.815+5G>T (NM_001353922.2); c.731+5G>T (NM_001369043.1, NM_001330495.2, NM_001369038.1 and 8 more transcripts); c.833+5G>T (NM_001353923.1); c.614+5G>T (NM_001369040.1, NM_001369039.1, NM_001353926.2 and 1 more transcripts); c.794+5G>T (NM_001369031.1, NM_001369030.1, NM_001369032.1 and 2 more transcripts); c.380+5G>T (NM_001369045.1); c.488+5G>T (NM_001173480.2, NM_001369042.1).
Identifiers: ClinVar variation 1489212 (VCV001489212.6), dbSNP rs56239759, ClinGen allele CA2573159017.